The following is an entry in ClinVar:

ClinVar aggregate classification (germline): Uncertain significance. Review status: criteria provided, multiple submitters, no conflicts (2 of 4 stars). 4 submissions from 3 submitters: Uncertain significance (3). 1 of the submissions does not count toward it. Last evaluated 2025-10-14.

Conditions:
Lethal multiple pterygium syndrome (LMPS). Identifiers: Orphanet 33108, MedGen C1854678, MONDO:0009668, OMIM 253290.
Myasthenic syndrome, congenital, 1A, slow-channel. Also called: CMS IIa; MYASTHENIC SYNDROME, CONGENITAL, TYPE IIa; Congenital myasthenic syndrome 1A. Identifiers: MedGen C2931107, MONDO:0011088, OMIM 601462.

Allele frequency attached by ClinVar (database versions not stated): gnomAD exomes 0.00003 and 0.00001; ExAC 0.00002; TOPMed 0.00001.
gnomAD v4.1: 48 of 1,614,168 alleles (0.003%); highest among the groups gnomAD compares: Non-Finnish European, 0.0038%; no homozygotes.

Submissions (4):

Labcorp Genetics (formerly Invitae), Labcorp
Classification: Uncertain significance for Lethal multiple pterygium syndrome. Last evaluated: 2025-10-14. Review status: criteria provided, single submitter. Criteria: Invitae Variant Classification Sherloc (09022015). Collection method: clinical testing. Allele origin: germline.
Comment: This sequence change replaces arginine, which is basic and polar, with cysteine, which is neutral and slightly polar, at codon 229 of the CHRNA1 protein (p.Arg229Cys). This variant is present in population databases (rs745355427, gnomAD 0.002%). This missense change has been observed in individual(s) with clinical features of autosomal recessive CHRNA1-related conditions (PMID: 23037934). This variant is also known as R254C. ClinVar contains an entry for this variant (Variation ID: 1252011). Invitae Evidence Modeling of protein sequence and biophysical properties (such as structural, functional, and spatial information, amino acid conservation, physicochemical variation, residue mobility, and thermodynamic stability) indicates that this missense variant is expected to disrupt CHRNA1 protein function with a positive predictive value of 80%. In summary, the available evidence is currently insufficient to determine the role of this variant in disease. Therefore, it has been classified as a Variant of Uncertain Significance.

Genomic Medicine Center of Excellence, King Faisal Specialist Hospital and Research Centre
Classification: Uncertain significance for Myasthenic syndrome, congenital, 1A, slow-channel. Last evaluated: 2024-03-14. Review status: criteria provided, single submitter. Criteria: ACMG Guidelines, 2015. Collection method: research. Allele origin: germline.

Blueprint Genetics
Classification: Uncertain significance. Last evaluated: 2023-06-21. Review status: criteria provided, single submitter. Criteria: ACMG Guidelines, 2015. Collection method: clinical testing. Allele origin: germline.

Genomic Medicine Center of Excellence, King Faisal Specialist Hospital and Research Centre
Classification: Uncertain significance for Lethal multiple pterygium syndrome. Last evaluated: 2021-04-29. Review status: no assertion criteria provided. Collection method: research. Allele origin: germline. Affected: yes. Not counted in ClinVar's aggregate classification.

Literature cited by the submitters: PubMed 23037934 (cited by Labcorp Genetics (formerly Invitae), Labcorp).

NM_000079.4(CHRNA1):c.685C>T (p.Arg229Cys)

Gene: CHRNA1 (cholinergic receptor nicotinic alpha 1 subunit; minus strand). Cytogenetic location: 2q31.1.
Variant type: single nucleotide variant.
Coding change: c.685C>T on transcript NM_000079.4 (MANE Select); coding-DNA position 685, C replaced by T.
Protein change: p.Arg229Cys; replaces arginine 229 with cysteine.
Molecular consequence: missense variant.
Genome position (GRCh38, 1-based): chr2:174,753,596, G>A on the plus strand (C>T on the coding strand, the complement: CHRNA1 is on the minus strand). VCF-style: chr2-174753596-G-A. GRCh37 (hg19) VCF-style: chr2-175618324-G-A.
Other names: c.760C>T, p.Arg254Cys (NM_001039523.3); short protein forms R229C, R254C.
Identifiers: ClinVar variation 1252011 (VCV001252011.10), dbSNP rs745355427, ClinGen allele CA1974493.
Genomic context (GRCh38, chr2:174,753,596, plus strand): 5'-TTAAGAAGGAGAAGAGCAGGCAGGGGATGATGACGTTGACGATGAAGTAGAGGGGCAGGC[G>A]CTGCATGACGAAGTGGTAGGTGATGTCCAGGTAGGGGGTGTCGGGGCAGCAGGAATAGGT-3'
Protein context (NP_000070.1, residues 219-239): LDITYHFVMQ[Arg229Cys]LPLYFIVNVI